The following is an entry in ClinVar:

ClinVar aggregate classification (germline): Uncertain significance (1 of 4 stars; one submission).

Allele frequency attached by ClinVar (database versions not stated): ExAC 0.00001; TOPMed 0.00002; gnomAD 0.00003.
gnomAD v4.1: 33 of 1,614,028 alleles (0.002%); highest among the groups gnomAD compares: Non-Finnish European, 0.0018%; no homozygotes.

Submission:

Labcorp Genetics (formerly Invitae), Labcorp
Classification: Uncertain significance. Last evaluated: 2021-05-07. Review status: criteria provided, single submitter. Criteria: Invitae Variant Classification Sherloc (09022015). Collection method: clinical testing. Allele origin: germline.
Comment: This sequence change replaces valine with isoleucine at codon 725 of the ADAMTS10 protein (p.Val725Ile). The valine residue is highly conserved and there is a small physicochemical difference between valine and isoleucine. This variant is present in population databases (rs782059576, ExAC 0.02%). This variant has not been reported in the literature in individuals with ADAMTS10-related conditions. Algorithms developed to predict the effect of missense changes on protein structure and function output the following: SIFT: "Tolerated"; PolyPhen-2: "Benign"; Align-GVGD: "Class C0". The isoleucine amino acid residue is found in multiple mammalian species, suggesting that this missense change does not adversely affect protein function. These predictions have not been confirmed by published functional studies and their clinical significance is uncertain. In summary, the available evidence is currently insufficient to determine the role of this variant in disease. Therefore, it has been classified as a Variant of Uncertain Significance.

NM_030957.4(ADAMTS10):c.2173G>A (p.Val725Ile)

Gene: ADAMTS10 (ADAM metallopeptidase with thrombospondin type 1 motif 10; minus strand). Cytogenetic location: 19p13.2.
Variant type: single nucleotide variant.
Coding change: c.2173G>A on transcript NM_030957.4 (MANE Select); coding-DNA position 2173, G replaced by A.
Protein change: p.Val725Ile; replaces valine 725 with isoleucine.
Molecular consequence: missense variant.
Genome position (GRCh38, 1-based): chr19:8,586,882, C>T on the plus strand (G>A on the coding strand, the complement: ADAMTS10 is on the minus strand). VCF-style: chr19-8586882-C-T. GRCh37 (hg19) VCF-style: chr19-8651766-C-T.
Other names: c.634G>A, p.Val212Ile (NM_001282352.2); short protein forms V212I, V725I.
Identifiers: ClinVar variation 1380162 (VCV001380162.7), dbSNP rs782059576, ClinGen allele CA9160178.
Genomic context (GRCh38, chr19:8,586,882, plus strand): 5'-GACTGAGAGAGAGGTTCAGATCCTGGATGAAGATGTGGACGGAGCCTTTGGGAATCCAGA[C>T]GACATCCTCGTACCCTGAACAGCAGAGCTCAGATGTCACCCACTTGGCATGTCCCCAACA-3'
Protein context (NP_112219.3, residues 715-735): ASPGAGYEDV[Val725Ile]WIPKGSVHIF